The following is an entry in ClinVar:

NC_000013.10:g.(32953653_32953886)_(32954051_32954143)del

Gene: BRCA2 (BRCA2 DNA repair associated; plus strand). Cytogenetic location: 13q13.1.
Variant type: Deletion.
Identifiers: ClinVar variation 2501241 (VCV002501241.1).

ClinVar aggregate classification (germline): Pathogenic (1 of 4 stars; one submission).

Conditions:
Hereditary breast ovarian cancer syndrome. Also called: BRCA1- and BRCA2-Associated Hereditary Breast and Ovarian Cancer; Hereditary breast and ovarian cancer syndrome (HBOC); Breast and ovarian cancer; Hereditary breast and ovarian cancer syndrome; Hereditary breast and/or ovarian cancer syndrome; Hereditary breast and ovarian cancer. Identifiers: Orphanet 145, MedGen C0677776, MeSH D061325, MONDO:0003582. Disease mechanism: loss of function.

Submission:

Women's Health and Genetics/Laboratory Corporation of America, LabCorp
Classification: Pathogenic for Hereditary breast ovarian cancer syndrome. Last evaluated: 2023-03-30. Review status: criteria provided, single submitter. Criteria: LabCorp Variant Classification Summary - May 2015. Collection method: clinical testing. Allele origin: germline.
Comment: Variant summary: The variant identified by MLPA or other technology involves the deletion of exon 23 in the BRCA2 gene. A presumed nomenclature of c.(8953+1_8954-1)_(9117+1_9118-1)del has been designated for the purposes of this classification. Although exact breakpoints of this deletion are not known, it is expected to result in a frameshift in the BRCA2 gene, a known mechanism of disease. The variant was absent in 21694 control chromosomes (gnomAD, Structural Variants dataset). Deletion of exon 23 has been reported in the literature in individuals affected with Hereditary Breast And Ovarian Cancer Syndrome (Marroni_2004, Fernandez-Lopez_2019). These data indicate that the variant is likely to be associated with disease. One clinical diagnostic laboratory has submitted clinical-significance assessments for this variant to ClinVar after 2014 without evidence for independent evaluation and classified the variant as pathogenic. Based on the evidence outlined above, the variant was classified as pathogenic.

Literature cited by the submitters: PubMed 15340362; PubMed 30630528.